The following is an entry in ClinVar:

NM_182914.3(SYNE2):c.12179T>G (p.Leu4060Trp)

Gene: SYNE2 (spectrin repeat containing nuclear envelope protein 2; plus strand). Cytogenetic location: 14q23.2.
Variant type: single nucleotide variant.
Coding change: c.12179T>G on transcript NM_182914.3 (MANE Select); coding-DNA position 12179, T replaced by G.
Protein change: p.Leu4060Trp; replaces leucine 4060 with tryptophan.
Molecular consequence: missense variant.
Genome position (GRCh38, 1-based): chr14:64,098,019, T>G. VCF-style: chr14-64098019-T-G. GRCh37 (hg19) VCF-style: chr14-64564737-T-G.
Other names: c.12179T>G, p.Leu4060Trp (NM_015180.6); short protein forms L4060W.
Identifiers: ClinVar variation 4724795 (VCV004724795.1).
Genomic context (GRCh38, chr14:64,098,019, plus strand): 5'-AACGTATGGAGAAACAGATTCTGAGTTTGAACCAGAGAAAAGAAGACCTGTTGGTGGACT[T>G]GAAGGCCACCGTACTAAACCTTCACCAGCATTTGAAGCAAGAACAAGAAGGAGTAGAAAG-3'
Protein context (NP_878918.2, residues 4050-4070): NQRKEDLLVD[Leu4060Trp]KATVLNLHQH

ClinVar aggregate classification (germline): Uncertain significance (1 of 4 stars; one submission).

Conditions:
Emery-Dreifuss muscular dystrophy 5, autosomal dominant (EDMD5). Also called: EMERY-DREIFUSS MUSCULAR DYSTROPHY 5. Identifiers: Orphanet 261, MedGen C2751805, MONDO:0013072, OMIM 612999.

Submission:

Labcorp Genetics (formerly Invitae), Labcorp
Classification: Uncertain significance for Emery-Dreifuss muscular dystrophy 5, autosomal dominant. Last evaluated: 2025-08-18. Review status: criteria provided, single submitter. Criteria: Invitae Variant Classification Sherloc (09022015). Collection method: clinical testing. Allele origin: germline.
Comment: This sequence change replaces leucine, which is neutral and non-polar, with tryptophan, which is neutral and slightly polar, at codon 4060 of the SYNE2 protein (p.Leu4060Trp). This variant is not present in population databases (gnomAD no frequency). This variant has not been reported in the literature in individuals affected with SYNE2-related conditions. An algorithm developed to predict the effect of missense changes on protein structure and function (PolyPhen-2) suggests that this variant is likely to be disruptive. In summary, the available evidence is currently insufficient to determine the role of this variant in disease. Therefore, it has been classified as a Variant of Uncertain Significance.